The following is an entry in ClinVar:

NM_170606.3(KMT2C):c.14126C>T (p.Ala4709Val)

Gene: KMT2C (lysine methyltransferase 2C; minus strand). Cytogenetic location: 7q36.1.
Variant type: single nucleotide variant.
Coding change: c.14126C>T on transcript NM_170606.3 (MANE Select); coding-DNA position 14126, C replaced by T.
Protein change: p.Ala4709Val; replaces alanine 4709 with valine.
Molecular consequence: missense variant.
Genome position (GRCh38, 1-based): chr7:152,145,201, G>A on the plus strand (C>T on the coding strand, the complement: KMT2C is on the minus strand). VCF-style: chr7-152145201-G-A. GRCh37 (hg19) VCF-style: chr7-151842286-G-A.
Other names: short protein forms A4709V.
Identifiers: ClinVar variation 4881304 (VCV004881304.2).

ClinVar aggregate classification (germline): Uncertain significance (1 of 4 stars; one submission).

gnomAD v4.1: 6 of 1,614,036 alleles (0.00037%); highest among the groups gnomAD compares: Non-Finnish European, 0.00042%; no homozygotes.

Submission:

Dasa
Classification: Uncertain significance. Last evaluated: 2026-02-04. Review status: criteria provided, single submitter. Criteria: DASA Assertion Criteria. Collection method: clinical testing. Allele origin: germline.
Comment: NM_170606.3(KMT2C):c.14126C>T (p.Ala4709Val) is a missense variant that results in the substitution of alanine with valine. This variant is rare in population databases. Computational prediction algorithms are consistent with a deleterious effect. The currently available literature and clinical evidence are not sufficient to establish a definitive association between this variant and the reported condition. Therefore, this variant is classified as a variant of uncertain significance.